The following is an entry in ClinVar:

NM_001025603.2(RFX5):c.715C>T (p.Arg239Ter)

Gene: RFX5 (regulatory factor X5; minus strand). Cytogenetic location: 1q21.3.
Variant type: single nucleotide variant.
Coding change: c.715C>T on transcript NM_001025603.2 (MANE Select); coding-DNA position 715, C replaced by T.
Protein change: p.Arg239Ter; replaces arginine 239 with a stop codon.
Molecular consequence: nonsense.
Genome position (GRCh38, 1-based): chr1:151,343,723, G>A on the plus strand (C>T on the coding strand, the complement: RFX5 is on the minus strand). VCF-style: chr1-151343723-G-A. GRCh37 (hg19) VCF-style: chr1-151316199-G-A.
Other names: c.715C>T, p.Arg239Ter (NM_000449.4, NM_001379412.1, NM_001379413.1 and 5 more transcripts); c.595C>T, p.Arg199Ter (NM_001379419.1, NM_001379420.1); short protein forms R199*, R239*.
Identifiers: ClinVar variation 2151896 (VCV002151896.5), dbSNP rs1233130743, ClinGen allele CA341937049.

ClinVar aggregate classification (germline): Pathogenic. Review status: criteria provided, multiple submitters, no conflicts (2 of 4 stars). 3 submissions from 3 submitters: Pathogenic (2). 1 of the submissions does not count toward it. Last evaluated 2022-09-13.

Conditions:
MHC class II deficiency. Also called: Bare lymphocyte syndrome 2; BLS, TYPE II. Identifiers: Orphanet 572, MedGen C5447452, MONDO:0008855.
MHC class II deficiency 3. Also called: Bare lymphocyte syndrome, type II, complementation group c. Identifiers: MedGen C1859536, MONDO:0971014, OMIM 620816.

Allele frequency attached by ClinVar (database versions not stated): TOPMed below 0.00001; gnomAD 0.00001; gnomAD exomes below 0.00001.

Submissions (3):

Labcorp Genetics (formerly Invitae), Labcorp
Classification: Pathogenic for MHC class II deficiency. Last evaluated: 2022-09-13. Review status: criteria provided, single submitter. Criteria: Invitae Variant Classification Sherloc (09022015). Collection method: clinical testing. Allele origin: germline.
Comment: This sequence change creates a premature translational stop signal (p.Arg239*) in the RFX5 gene. It is expected to result in an absent or disrupted protein product. Loss-of-function variants in RFX5 are known to be pathogenic (PMID: 7744245, 9401005, 10079298). This variant is present in population databases (no rsID available, gnomAD 0.0009%). This premature translational stop signal has been observed in individual(s) with clinical features of major histocompatibility complex class II deficiency (PMID: 30084052, 30170160, 32888943). For these reasons, this variant has been classified as Pathogenic.

Genomic Medicine Center of Excellence, King Faisal Specialist Hospital and Research Centre
Classification: Pathogenic for MHC class II deficiency 1. Review status: criteria provided, single submitter. Criteria: ACMG Guidelines, 2015. Collection method: clinical testing. Allele origin: germline.

OMIM
Classification: Pathogenic for MHC CLASS II DEFICIENCY 3. Last evaluated: 2024-05-23. Review status: no assertion criteria provided. Collection method: literature only. Allele origin: germline. Not counted in ClinVar's aggregate classification.

Literature cited by the submitters: PubMed 7744245 (cited by Labcorp Genetics (formerly Invitae), Labcorp); PubMed 9401005 (cited by Labcorp Genetics (formerly Invitae), Labcorp); PubMed 10079298 (cited by Labcorp Genetics (formerly Invitae), Labcorp); PubMed 30084052 (cited by Labcorp Genetics (formerly Invitae), Labcorp); PubMed 30170160 (cited by Labcorp Genetics (formerly Invitae), Labcorp and OMIM); PubMed 32888943 (cited by Labcorp Genetics (formerly Invitae), Labcorp); Hamosh, A. Personal Communication. 2024. Baltimore, Md. (cited by OMIM).